The following is an entry in ClinVar:

NM_019109.5(ALG1):c.863-1G>A

Gene: ALG1 (ALG1 chitobiosyldiphosphodolichol beta-mannosyltransferase; plus strand). Cytogenetic location: 16p13.3.
Variant type: single nucleotide variant.
Coding change: c.863-1G>A on transcript NM_019109.5 (MANE Select); the canonical splice acceptor site of the intron before coding-DNA position 863, G replaced by A.
Molecular consequence: splice acceptor variant.
Genome position (GRCh38, 1-based): chr16:5,079,063, G>A. VCF-style: chr16-5079063-G-A. GRCh37 (hg19) VCF-style: chr16-5129064-G-A.
Other names: c.530-1G>A (NM_001330504.2).
Identifiers: ClinVar variation 3684904 (VCV003684904.2).

ClinVar aggregate classification (germline): Likely pathogenic (1 of 4 stars; one submission).

Conditions:
ALG1-congenital disorder of glycosylation. Also called: ALG1-CDG; CONGENITAL DISORDER OF GLYCOSYLATION, TYPE Ik; CDG Ik. Identifiers: Orphanet 79327, MedGen C2931005, MONDO:0012052, OMIM 608540.

Submission:

Labcorp Genetics (formerly Invitae), Labcorp
Classification: Likely pathogenic for ALG1-congenital disorder of glycosylation. Last evaluated: 2024-02-19. Review status: criteria provided, single submitter. Criteria: Invitae Variant Classification Sherloc (09022015). Collection method: clinical testing. Allele origin: germline.
Comment: This sequence change affects an acceptor splice site in intron 7 of the ALG1 gene. It is expected to disrupt RNA splicing. Variants that disrupt the donor or acceptor splice site typically lead to a loss of protein function (PMID: 16199547), and loss-of-function variants in ALG1 are known to be pathogenic (PMID: 20679665, 23806237). This variant is not present in population databases (gnomAD no frequency). This variant has not been reported in the literature in individuals affected with ALG1-related conditions. Algorithms developed to predict the effect of sequence changes on RNA splicing suggest that this variant may disrupt the consensus splice site. In summary, the currently available evidence indicates that the variant is pathogenic, but additional data are needed to prove that conclusively. Therefore, this variant has been classified as Likely Pathogenic.

Literature cited by the submitters: PubMed 16199547; PubMed 20679665; PubMed 23806237.